The following is an entry in ClinVar:

NM_001128840.3(CACNA1D):c.23_24delinsTG (p.Lys8Met)

Gene: CACNA1D (calcium voltage-gated channel subunit alpha1 D; plus strand). Cytogenetic location: 3p21.1.
Variant type: Indel.
Coding change: c.23_24delinsTG on transcript NM_001128840.3 (MANE Select); coding-DNA positions 23 to 24, AA replaced by TG.
Protein change: p.Lys8Met; replaces lysine 8 with methionine.
Molecular consequence: missense variant.
Genome position (GRCh38, 1-based): chr3:53,495,189-53,495,190, AA replaced by TG. VCF-style: chr3-53495189-AA-TG. GRCh37 (hg19) VCF-style: chr3-53529216-AA-TG.
Other names: c.23_24delinsTG, p.Lys8Met (NM_000720.4, NM_001128839.3); short protein forms K8M.
Identifiers: ClinVar variation 1948828 (VCV001948828.5), dbSNP rs2471494442, ClinGen allele CA2580070243.

ClinVar aggregate classification (germline): Uncertain significance (1 of 4 stars; one submission).

Submission:

Labcorp Genetics (formerly Invitae), Labcorp
Classification: Uncertain significance. Last evaluated: 2024-10-24. Review status: criteria provided, single submitter. Criteria: Invitae Variant Classification Sherloc (09022015). Collection method: clinical testing. Allele origin: germline.
Comment: This sequence change replaces lysine, which is basic and polar, with methionine, which is neutral and non-polar, at codon 8 of the CACNA1D protein (p.Lys8Met). This variant is present in population databases (no rsID available, gnomAD 0.0004%). This variant has not been reported in the literature in individuals affected with CACNA1D-related conditions. ClinVar contains an entry for this variant (Variation ID: 1948828). Experimental studies and prediction algorithms are not available or were not evaluated, and the functional significance of this variant is currently unknown. In summary, the available evidence is currently insufficient to determine the role of this variant in disease. Therefore, it has been classified as a Variant of Uncertain Significance.